The following is an entry in ClinVar:

ClinVar aggregate classification (germline): Uncertain significance. Review status: criteria provided, multiple submitters, no conflicts (2 of 4 stars). 2 submissions from 2 submitters: Uncertain significance (2). Last evaluated 2024-10-16.

Conditions:
Immunodeficiency 31B. Also called: STAT1 DEFICIENCY, AUTOSOMAL RECESSIVE; IMMUNODEFICIENCY 31B, MYCOBACTERIAL AND VIRAL INFECTIONS, AUTOSOMAL RECESSIVE. Identifiers: Orphanet 391311, MedGen C3151088, MONDO:0013427, OMIM 613796.
Mendelian susceptibility to mycobacterial diseases due to partial STAT1 deficiency. Also called: Immunodeficiency 31a; IMMUNODEFICIENCY 31A, MYCOBACTERIOSIS, AUTOSOMAL DOMINANT; STAT1 DEFICIENCY, AUTOSOMAL DOMINANT. Identifiers: Orphanet 319595, MedGen C4013950, MONDO:0013956, OMIM 614892.
Autoimmune enteropathy and endocrinopathy - susceptibility to chronic infections syndrome. Also called: Immunodeficiency 31C; Immunodeficiency 31C, autosomal dominant. Identifiers: Orphanet 391487, MedGen C3279990, MONDO:0013599, OMIM 614162.
Inborn genetic diseases. Identifiers: MedGen C0950123, MeSH D030342.

Allele frequency attached by ClinVar (database versions not stated): gnomAD exomes below 0.00001; ExAC 0.00001; TOPMed 0.00002; ESP Exome Variant Server 0.00008.
gnomAD v4.1: 9 of 1,614,158 alleles (0.00056%); highest among the groups gnomAD compares: South Asian, 0.0011%; no homozygotes.

Submissions (2):

Labcorp Genetics (formerly Invitae), Labcorp
Classification: Uncertain significance for Mendelian susceptibility to mycobacterial diseases due to partial STAT1 deficiency; Immunodeficiency 31B; Autoimmune enteropathy and endocrinopathy - susceptibility to chronic infections syndrome. Last evaluated: 2024-10-16. Review status: criteria provided, single submitter. Criteria: Invitae Variant Classification Sherloc (09022015). Collection method: clinical testing. Allele origin: germline.
Comment: This sequence change replaces arginine, which is basic and polar, with glutamine, which is neutral and polar, at codon 586 of the STAT1 protein (p.Arg586Gln). This variant is present in population databases (rs144788879, gnomAD 0.0009%). This variant has not been reported in the literature in individuals affected with STAT1-related conditions. ClinVar contains an entry for this variant (Variation ID: 580685). An algorithm developed to predict the effect of missense changes on protein structure and function outputs the following: PolyPhen-2: "Benign". The glutamine amino acid residue is found in multiple mammalian species, which suggests that this missense change does not adversely affect protein function. In summary, the available evidence is currently insufficient to determine the role of this variant in disease. Therefore, it has been classified as a Variant of Uncertain Significance.

Ambry Genetics
Classification: Uncertain significance for Inborn genetic diseases. Last evaluated: 2023-02-15. Review status: criteria provided, single submitter. Criteria: Ambry Variant Classification Scheme 2023. Collection method: clinical testing. Allele origin: germline.

NM_007315.4(STAT1):c.1757G>A (p.Arg586Gln)

Gene: STAT1 (signal transducer and activator of transcription 1; minus strand). Cytogenetic location: 2q32.2.
Variant type: single nucleotide variant.
Coding change: c.1757G>A on transcript NM_007315.4 (MANE Select); coding-DNA position 1757, G replaced by A.
Protein change: p.Arg586Gln; replaces arginine 586 with glutamine.
Molecular consequence: missense variant.
Genome position (GRCh38, 1-based): chr2:190,978,972, C>T on the plus strand (G>A on the coding strand, the complement: STAT1 is on the minus strand). VCF-style: chr2-190978972-C-T. GRCh37 (hg19) VCF-style: chr2-191843698-C-T.
Other names: c.1697G>A, p.Arg566Gln (NM_001384880.1); c.1763G>A, p.Arg588Gln (NM_001384881.1, NM_001384884.1); c.1751G>A, p.Arg584Gln (NM_001384882.1); c.1658G>A, p.Arg553Gln (NM_001384883.1); c.1598G>A, p.Arg533Gln (NM_001384885.1); c.1757G>A, p.Arg586Gln (NM_001384886.1, NM_001384889.1, NM_139266.3); c.1664G>A, p.Arg555Gln (NM_001384887.1); c.1727G>A, p.Arg576Gln (NM_001384888.1); and 2 more; short protein forms R586Q, R533Q, R553Q, R555Q, R556Q, R566Q, R576Q, R584Q.
Identifiers: ClinVar variation 580685 (VCV000580685.11), dbSNP rs144788879, ClinGen allele CA2029813.